The following is an entry in ClinVar:

NM_001366722.1(GRIP1):c.1769-10A>G

Gene: GRIP1 (glutamate receptor interacting protein 1; minus strand). Cytogenetic location: 12q14.3.
Variant type: single nucleotide variant.
Coding change: c.1769-10A>G on transcript NM_001366722.1 (MANE Select); 10 bases into the intron before coding-DNA position 1769, A replaced by G.
Molecular consequence: intron variant.
Genome position (GRCh38, 1-based): chr12:66,420,799, T>C on the plus strand (A>G on the coding strand, the complement: GRIP1 is on the minus strand). VCF-style: chr12-66420799-T-C. GRCh37 (hg19) VCF-style: chr12-66814579-T-C.
Other names: c.1613-10A>G (NM_021150.3, NM_001379351.1, NM_001178074.2 and 1 more transcripts); c.1616-10A>G (NM_001379349.1); c.1688-10A>G (NM_001379348.1, NM_001366723.1); c.1691-10A>G (NM_001379347.1, NM_001366724.1); c.1847-10A>G (NM_001379345.1); c.1769-10A>G (NM_001379346.1).
Identifiers: ClinVar variation 2991929 (VCV002991929.5), dbSNP rs771688582, ClinGen allele CA6674288.

ClinVar aggregate classification (germline): Likely benign. Review status: criteria provided, single submitter (1 of 4 stars). 2 submissions from 2 submitters: Likely benign (1). 1 of the submissions does not count toward it. Last evaluated 2026-01-08.

Conditions:
GRIP1-related disorder. Also called: GRIP1-related condition.

Allele frequency attached by ClinVar (database versions not stated): gnomAD 0.00001; gnomAD exomes 0.00004; TOPMed 0.00003; ExAC 0.00011.
gnomAD v4.1: 49 of 1,472,054 alleles (0.0033%); highest among the groups gnomAD compares: Admixed American, 0.062%; no homozygotes.

Submissions (2):

Labcorp Genetics (formerly Invitae), Labcorp
Classification: Likely benign. Last evaluated: 2026-01-08. Review status: criteria provided, single submitter. Criteria: Invitae Variant Classification Sherloc (09022015). Collection method: clinical testing. Allele origin: germline.

PreventionGenetics, part of Exact Sciences
Classification: Likely benign for GRIP1-related condition. Last evaluated: 2021-12-29. Review status: no assertion criteria provided. Collection method: clinical testing. Allele origin: germline. Not counted in ClinVar's aggregate classification.
Comment: This variant is classified as likely benign based on ACMG/AMP sequence variant interpretation guidelines (Richards et al. 2015 PMID: 25741868, with internal and published modifications).